The following is an entry in ClinVar:

ClinVar aggregate classification (germline): Conflicting classifications of pathogenicity. Review status: criteria provided, conflicting classifications (1 of 4 stars). 2 submissions from 2 submitters: Uncertain significance (1); Likely benign (1). Last evaluated 2025-01-27.

Conditions:
Inborn genetic diseases. Identifiers: MedGen C0950123, MeSH D030342.

Allele frequency attached by ClinVar (database versions not stated): gnomAD exomes 0.00001 and 0.00007; TOPMed 0.00004; gnomAD 0.00006 and 0.00007; ExAC 0.00008; 1000 Genomes Project 0.00060; 1000 Genomes Project 30x 0.00062.
gnomAD v4.1: 27 of 1,614,026 alleles (0.0017%); highest among the groups gnomAD compares: East Asian, 0.06%; no homozygotes.

Submissions (2):

Labcorp Genetics (formerly Invitae), Labcorp
Classification: Likely benign. Last evaluated: 2025-01-27. Review status: criteria provided, single submitter. Criteria: Invitae Variant Classification Sherloc (09022015). Collection method: clinical testing. Allele origin: germline.

Ambry Genetics
Classification: Uncertain significance for Inborn genetic diseases. Last evaluated: 2021-04-20. Review status: criteria provided, single submitter. Criteria: Ambry Variant Classification Scheme 2023. Collection method: clinical testing. Allele origin: germline.
Comment: The c.1222G>A (p.E408K) alteration is located in exon 1 (coding exon 1) of the FAT4 gene. This alteration results from a G to A substitution at nucleotide position 1222, causing the glutamic acid (E) at amino acid position 408 to be replaced by a lysine (K). The p.E408K alteration is predicted to be tolerated by in silico analysis. Based on insufficient or conflicting evidence, the clinical significance of this alteration remains unclear.

NM_001291303.3(FAT4):c.1222G>A (p.Glu408Lys)

Gene: FAT4 (FAT atypical cadherin 4; plus strand). Cytogenetic location: 4q28.1.
Variant type: single nucleotide variant.
Coding change: c.1222G>A on transcript NM_001291303.3 (MANE Select); coding-DNA position 1222, G replaced by A.
Protein change: p.Glu408Lys; replaces glutamic acid 408 with lysine.
Molecular consequence: missense variant.
Genome position (GRCh38, 1-based): chr4:125,317,633, G>A. VCF-style: chr4-125317633-G-A. GRCh37 (hg19) VCF-style: chr4-126238788-G-A.
Other names: c.1222G>A (NM_024582.4); c.1222G>A, p.Glu408Lys (NM_001291285.3, NM_024582.6); short protein forms E408K.
Identifiers: ClinVar variation 1611179 (VCV001611179.9), dbSNP rs574924064, ClinGen allele CA3071945.